The following is an entry in ClinVar:

ClinVar aggregate classification (germline): Pathogenic (1 of 4 stars; one submission).

Submission:

Labcorp Genetics (formerly Invitae), Labcorp
Classification: Pathogenic. Last evaluated: 2023-05-13. Review status: criteria provided, single submitter. Criteria: Invitae Variant Classification Sherloc (09022015). Collection method: clinical testing. Allele origin: unknown.
Comment: For these reasons, this variant has been classified as Pathogenic. This variant has not been reported in the literature in individuals affected with VPS13A-related conditions. This variant is a gross deletion of the genomic region encompassing exon(s) 58-67 of the VPS13A gene. This deletion is out-of-frame, and is expected to create a premature termination codon and result in an absent or disrupted protein product. Loss-of-function variants in VPS13A are known to be pathogenic (PMID: 12404112, 21598378).

Literature cited by the submitters: PubMed 12404112; PubMed 21598378.

NC_000009.11:g.(?_79974229)_(79986085_?)del

Gene: VPS13A (vacuolar protein sorting 13 homolog A; plus strand). Cytogenetic location: 9q21.2.
Variant type: Deletion.
Identifiers: ClinVar variation 3245379 (VCV003245379.1).